The following is an entry in ClinVar:

NM_001267550.2(TTN):c.105854dup (p.Pro35286fs)

Genes: TTN (titin; minus strand), TTN-AS1 (TTN antisense RNA 1; plus strand), LOC129935183 (ATAC-STARR-seq lymphoblastoid active region 16808; plus strand). Cytogenetic location: 2q31.2.
Variant type: Duplication.
Coding change: c.105854dup on transcript NM_001267550.2 (MANE Select); coding-DNA position 105854, one base duplicated (C; older notation c.105854dupC).
Protein change: p.Pro35286fs; shifts the reading frame from proline 35286.
Molecular consequence: frameshift variant.
Genome position (GRCh38, 1-based): chr2:178,530,761, G duplicated on the plus strand (C on the coding strand, the reverse complement: TTN is on the minus strand); the first of 4 consecutive G bases (chr2:178,530,761-178,530,764); duplicating any one gives the same sequence. VCF-style (leftmost placement, unchanged base first): chr2-178530760-T-TG. GRCh37 (hg19) VCF-style: chr2-179395487-T-TG.
Other names: NR_038272.1:n.220-4968dup; c.100931dup, p.Pro33645fs (NM_001256850.1); c.78659dup, p.Pro26221fs (NM_003319.4); c.98150dup, p.Pro32718fs (NM_133378.4); c.79034dup, p.Pro26346fs (NM_133432.3); c.79235dup, p.Pro26413fs (NM_133437.4); short protein forms P26221fs, P26346fs, P26413fs, P32718fs, P33645fs, P35286fs.
Identifiers: ClinVar variation 2500877 (VCV002500877.2), dbSNP rs2468381753, ClinGen allele CA2573334550.

ClinVar aggregate classification (germline): Likely pathogenic. Review status: criteria provided, single submitter (1 of 4 stars). 2 submissions from 2 submitters: Likely pathogenic (1). 1 of the submissions does not count toward it. Last evaluated 2023-05-02.

Conditions:
Autosomal recessive limb-girdle muscular dystrophy type 2J (LGMDR10). Also called: Limb-girdle muscular dystrophy, type 2J; MUSCULAR DYSTROPHY, LIMB-GIRDLE, AUTOSOMAL RECESSIVE 10. Identifiers: Orphanet 140922, MedGen C1837342, MONDO:0012127, OMIM 608807.
Early-onset myopathy with fatal cardiomyopathy (CMYO5). Also called: Salih Myopathy; CONGENITAL MYOPATHY 5 WITH CARDIOMYOPATHY. Identifiers: Orphanet 289377, MedGen C2673677, MONDO:0012714, OMIM 611705. Disease mechanism: loss of function.

Submissions (2):

Broad Center for Mendelian Genomics, Broad Institute of MIT and Harvard
Classification: Likely pathogenic for Early-onset myopathy with fatal cardiomyopathy. Last evaluated: 2023-05-02. Review status: criteria provided, single submitter. Criteria: ACMG Guidelines, 2015. Collection method: curation. Allele origin: germline. Inheritance: Autosomal recessive inheritance.
Comment: The p.Pro35286ThrfsTer13 variant in TTN has not been previously reported in individuals with Salih myopathy. This variant was absent from large population studies. This variant is predicted to cause a frameshift, which alters the protein‚Äôs amino acid sequence beginning at position 35286 and leads to a premature termination codon 13 amino acids downstream. This alteration is then predicted to lead to a truncated or absent protein. Loss of function of the TTN gene is an established disease mechanism in autosomal recessive Salih myopathy. In summary, although additional studies are required to fully establish its clinical significance, this variant is likely pathogenic for Salih myopathy. ACMG/AMP Criteria applied: PVS1, PM2_Supporting (Richards 2015).

Solve-RD Consortium
Classification: Pathogenic for Autosomal recessive limb-girdle muscular dystrophy type 2J. Last evaluated: 2024-09-01. Review status: no assertion criteria provided. Collection method: research. Allele origin: germline. Affected: yes. Study: Solve-RD Consortium. Not counted in ClinVar's aggregate classification.
Comment: This indel leads to a frameshift in exon 308 of TTN, which is ubiquitously expressed exon in TTN (PMID: 29598826). Frameshift variants have been extensively described as disease-causing in titinopathies. The variant was confirmed as disease-causing by referring clinical team.

Variant identified during long-read sequencing analysis of unsolved cases by the Solve-RD project. The Solve-RD project has received funding from the European Union’s Horizon 2020 research and innovation programme under grant agreement No 779257.